The following is an entry in ClinVar:

NM_001130987.2(DYSF):c.2278C>T (p.Gln760Ter)

Gene: DYSF (dysferlin; plus strand). Cytogenetic location: 2p13.2.
Variant type: single nucleotide variant.
Coding change: c.2278C>T on transcript NM_001130987.2 (MANE Select); coding-DNA position 2278, C replaced by T.
Protein change: p.Gln760Ter; replaces glutamine 760 with a stop codon.
Molecular consequence: nonsense.
Genome position (GRCh38, 1-based): chr2:71,561,813, C>T. VCF-style: chr2-71561813-C-T. GRCh37 (hg19) VCF-style: chr2-71788943-C-T.
Other names: c.2227C>T, p.Gln743Ter (NM_001130455.2, NM_001130983.2); c.2182C>T, p.Gln728Ter (NM_001130976.2, NM_001130977.2); c.2224C>T, p.Gln742Ter (NM_001130978.2, NM_003494.4); c.2317C>T, p.Gln773Ter (NM_001130979.2); c.2275C>T, p.Gln759Ter (NM_001130980.2, NM_001130981.2); c.2320C>T, p.Gln774Ter (NM_001130982.2); c.2185C>T, p.Gln729Ter (NM_001130984.2, NM_001130986.2); c.2278C>T, p.Gln760Ter (NM_001130985.2); short protein forms Q729*, Q774*, Q742*, Q760*, Q728*, Q743*, Q759*, Q773*.
Identifiers: ClinVar variation 2755094 (VCV002755094.3), dbSNP rs2545753136, ClinGen allele CA347209116.

ClinVar aggregate classification (germline): Pathogenic (1 of 4 stars; one submission).

Conditions:
Neuromuscular disease caused by qualitative or quantitative defects of dysferlin. Also called: Dysferlinopathy; Qualitative or quantitative defects of dysferlin. Identifiers: Orphanet 207073, MedGen C2931687, MONDO:0016145.

Submission:

Labcorp Genetics (formerly Invitae), Labcorp
Classification: Pathogenic for Neuromuscular disease caused by qualitative or quantitative defects of dysferlin. Last evaluated: 2023-08-25. Review status: criteria provided, single submitter. Criteria: Invitae Variant Classification Sherloc (09022015). Collection method: clinical testing. Allele origin: germline.
Comment: This sequence change creates a premature translational stop signal (p.Gln742*) in the DYSF gene. It is expected to result in an absent or disrupted protein product. Loss-of-function variants in DYSF are known to be pathogenic (PMID: 17698709, 20301480). This variant is not present in population databases (gnomAD no frequency). This variant has not been reported in the literature in individuals affected with DYSF-related conditions. For these reasons, this variant has been classified as Pathogenic.

Literature cited by the submitters: PubMed 17698709; PubMed 20301480.